The following is an entry in ClinVar:

NM_000416.3(IFNGR1):c.817del (p.Ile273fs)

Gene: IFNGR1 (interferon gamma receptor 1; minus strand). Cytogenetic location: 6q23.3.
Variant type: Deletion.
Coding change: c.817del on transcript NM_000416.3 (MANE Select); coding-DNA position 817, one base deleted (A; older notation c.817delA).
Protein change: p.Ile273fs; shifts the reading frame from isoleucine 273.
Molecular consequence: frameshift variant.
Genome position (GRCh38, 1-based): chr6:137,200,925, T deleted on the plus strand (A on the coding strand, the reverse complement: IFNGR1 is on the minus strand); the first of 4 consecutive T bases (chr6:137,200,925-137,200,928); deleting any one gives the same sequence. VCF-style (leftmost placement, unchanged base first): chr6-137200924-AT-A. GRCh37 (hg19) VCF-style: chr6-137522061-AT-A.
Other names: c.787del, p.Ile263fs (NM_001363526.1); c.694del, p.Ile232fs (NM_001363527.1); c.817delA (NM_000416.3); short protein forms I232fs, I263fs, I273fs.
Identifiers: ClinVar variation 3893292 (VCV003893292.2).

ClinVar aggregate classification (germline): Pathogenic (0 of 4 stars; one submission).

Conditions:
Autosomal dominant mendelian susceptibility to mycobacterial diseases due to partial IFNgammaR1 deficiency. Also called: IMMUNODEFICIENCY 27B, MYCOBACTERIOSIS, AUTOSOMAL DOMINANT; IFNGR1 DEFICIENCY, AUTOSOMAL DOMINANT; Immunodeficiency 27b. Identifiers: Orphanet 319581, MedGen C4014863, MONDO:0014429, OMIM 615978.

Submission:

Immunogenomics Laboratory, The Walter and Eliza Hall Institute of Medical Research
Classification: Pathogenic for Autosomal dominant mendelian susceptibility to mycobacterial diseases due to partial IFNgammaR1 deficiency. Review status: no assertion criteria provided. Collection method: research. Allele origin: germline, not applicable. Inheritance: Autosomal dominant inheritance. Affected: yes. Observed: 2 variant alleles, 2 heterozygotes. Clinical features observed: Recurrent mycobacterial infections (HP:0011274). Functional consequence: protein truncation.
Comment: Whole-exome sequencing confirmed a heterozygous IFNGR1 variant c.817delA (p.I273fs) segregated in 1 family (mother and child) with clinical disease (Mendelian susceptibility to mycobacterial disease). This variant occurs within exon 6 of IFNGR1, where previous dominant-negative variants have been reported.

Literature cited by the submitters: DOI 10.1172/JCI186799.